The following is an entry in ClinVar:

NM_005802.5(TOPORS):c.2018G>T (p.Arg673Leu)

Gene: TOPORS (TOP1 binding arginine/serine rich protein, E3 ubiquitin ligase; minus strand). Cytogenetic location: 9p21.1.
Variant type: single nucleotide variant.
Coding change: c.2018G>T on transcript NM_005802.5 (MANE Select); coding-DNA position 2018, G replaced by T.
Protein change: p.Arg673Leu; replaces arginine 673 with leucine.
Molecular consequence: missense variant.
Genome position (GRCh38, 1-based): chr9:32,542,507, C>A on the plus strand (G>T on the coding strand, the complement: TOPORS is on the minus strand). VCF-style: chr9-32542507-C-A. GRCh37 (hg19) VCF-style: chr9-32542505-C-A.
Other names: c.2018G>T (NM_005802.4); c.1823G>T, p.Arg608Leu (NM_001195622.2); short protein forms R673L, R608L.
Identifiers: ClinVar variation 196425 (VCV000196425.33), dbSNP rs147497536, ClinGen allele CA243382.

ClinVar aggregate classification (germline): Conflicting classifications of pathogenicity. Review status: criteria provided, conflicting classifications (1 of 4 stars). 7 submissions from 7 submitters: Uncertain significance (5); Likely benign (2). Last evaluated 2025-05-05.

Conditions:
TOPORS-related disorder. Also called: TOPORS-related condition.
Inborn genetic diseases. Identifiers: MedGen C0950123, MeSH D030342.
Retinitis pigmentosa 31 (RP31). Identifiers: Orphanet 791, MedGen C1835923, MONDO:0012367, OMIM 609923.

Allele frequency attached by ClinVar (database versions not stated): TOPMed 0.00013; 1000 Genomes Project 30x 0.00016; 1000 Genomes Project 0.00020.
gnomAD v4.1: 261 of 1,614,000 alleles (0.016%); highest among the groups gnomAD compares: Non-Finnish European, 0.021%; no homozygotes.

Submissions (7):

PreventionGenetics, part of Exact Sciences
Classification: Uncertain significance for TOPORS-related condition. Last evaluated: 2025-05-05. Review status: criteria provided, single submitter. Criteria: ACMG Guidelines, 2015. Collection method: clinical testing. Allele origin: germline.
Comment: The TOPORS c.2018G>T variant is predicted to result in the amino acid substitution p.Arg673Leu. To our knowledge, this variant has not been reported in the literature. This variant is reported in 0.036% of alleles in individuals of European (Non-Finnish) descent in gnomAD. At this time, the clinical significance of this variant is uncertain due to the absence of conclusive functional and genetic evidence.

Blueprint Genetics
Classification: Likely benign. Last evaluated: 2024-11-27. Review status: criteria provided, single submitter. Criteria: ACMG Guidelines, 2015. Collection method: clinical testing. Allele origin: germline.

CeGaT Center for Human Genetics Tuebingen
Classification: Likely benign. Last evaluated: 2024-11-01. Review status: criteria provided, single submitter. Criteria: CeGaT Center For Human Genetics Tuebingen Variant Classification Criteria Version 2. Collection method: clinical testing. Allele origin: germline. Affected: yes. Observed: 2 variant alleles.
Comment: TOPORS: BP4, BS2

Ambry Genetics
Classification: Uncertain significance for Inborn genetic diseases. Last evaluated: 2023-12-20. Review status: criteria provided, single submitter. Criteria: Ambry Variant Classification Scheme 2023. Collection method: clinical testing. Allele origin: germline.

Department of Pathology and Laboratory Medicine, Sinai Health System
Classification: Uncertain significance for Retinitis pigmentosa 31. Last evaluated: 2023-02-06. Review status: criteria provided, single submitter. Criteria: ACMG Guidelines, 2015. Collection method: research. Allele origin: germline.

Labcorp Genetics (formerly Invitae), Labcorp
Classification: Uncertain significance. Last evaluated: 2021-08-24. Review status: criteria provided, single submitter. Criteria: Invitae Variant Classification Sherloc (09022015). Collection method: clinical testing. Allele origin: germline.
Comment: This sequence change replaces arginine with leucine at codon 673 of the TOPORS protein (p.Arg673Leu). The arginine residue is highly conserved and there is a moderate physicochemical difference between arginine and leucine. This variant is present in population databases (rs147497536, ExAC 0.04%), and has an allele count higher than expected for a pathogenic variant (PMID: 28166811). This variant has not been reported in the literature in individuals affected with TOPORS-related conditions. ClinVar contains an entry for this variant (Variation ID: 196425). In summary, the available evidence is currently insufficient to determine the role of this variant in disease. Therefore, it has been classified as a Variant of Uncertain Significance.

Eurofins Ntd Llc (ga)
Classification: Uncertain significance. Last evaluated: 2015-02-14. Review status: criteria provided, single submitter. Criteria: EGL Classification Definitions 2015. Collection method: clinical testing. Allele origin: germline. Observed: 1 variant allele, 1 heterozygote.

Literature cited by the submitters: PubMed 28166811 (cited by Labcorp Genetics (formerly Invitae), Labcorp).